The following is an entry in ClinVar:

ClinVar aggregate classification (germline): Likely benign (0 of 4 stars; one submission).

Conditions:
PRORP-related disorder. Also called: PRORP-related condition.

Allele frequency attached by ClinVar (database versions not stated): TOPMed 0.00003; gnomAD 0.00004; gnomAD exomes 0.00006; ExAC 0.00008.
gnomAD v4.1: 87 of 1,610,666 alleles (0.0054%); highest among the groups gnomAD compares: Non-Finnish European, 0.0067%; no homozygotes.

Submission:

PreventionGenetics, part of Exact Sciences
Classification: Likely benign for PRORP-related condition. Last evaluated: 2019-03-27. Review status: no assertion criteria provided. Collection method: clinical testing. Allele origin: germline.
Comment: This variant is classified as likely benign based on ACMG/AMP sequence variant interpretation guidelines (Richards et al. 2015 PMID: 25741868, with internal and published modifications).

NM_014672.4(PRORP):c.1002A>G (p.Gln334=)

Genes: PRORP (protein only RNase P catalytic subunit; plus strand), PRORP-PSMA6 (PRORP-PSMA6 readthrough; plus strand). Cytogenetic location: 14q13.2.
Variant type: single nucleotide variant.
Coding change: c.1002A>G on transcript NM_014672.4 (MANE Select); coding-DNA position 1002, A replaced by G.
Protein change: p.Gln334=; no amino-acid change (glutamine 334 retained).
Molecular consequence: synonymous variant. On other transcripts: non-coding transcript variant (3), 5 prime UTR variant (1), intron variant (2).
Genome position (GRCh38, 1-based): chr14:35,126,750, A>G. VCF-style: chr14-35126750-A-G. GRCh37 (hg19) VCF-style: chr14-35595956-A-G.
Other names: c.717A>G, p.Gln239= (NM_001256679.2); c.-115A>G (NM_001256680.2); c.1002A>G, p.Gln334= (NM_001414503.1); c.-82-729A>G (NM_001256681.2); c.987-729A>G (NM_001256678.2).
Identifiers: ClinVar variation 3041805 (VCV003041805.2), dbSNP rs771213124, ClinGen allele CA7154806.